The following is an entry in ClinVar:

ClinVar aggregate classification (germline): Uncertain significance. Review status: criteria provided, multiple submitters, no conflicts (2 of 4 stars). 2 submissions from 2 submitters: Uncertain significance (2). Last evaluated 2024-06-11.

Conditions:
Acrocallosal syndrome (ACLS). Also called: HALLUX DUPLICATION, POSTAXIAL POLYDACTYLY, AND ABSENCE OF CORPUS CALLOSUM; Schinzel syndrome 1; Absence of corpus callosum with unusual facial appearance, mental deficiency, duplication of the halluces and polydactyly. Identifiers: Orphanet 36, MedGen C0796147, MONDO:0008708, OMIM 200990.
Hydrolethalus syndrome 2 (HLS2). Identifiers: Orphanet 2189, MedGen C3279899, MONDO:0013585, OMIM 614120.
Multiple epiphyseal dysplasia, Al-Gazali type. Also called: Macrocephaly with multiple epiphyseal dysplasia and distinctive facies. Identifiers: Orphanet 166024, MedGen C1846722, MONDO:0011778, OMIM 607131.

Allele frequency attached by ClinVar (database versions not stated): gnomAD exomes below 0.00001 and 0.00001.
gnomAD v4.1: 2 of 1,538,040 alleles (0.00013%); highest among the groups gnomAD compares: South Asian, 0.0024%; no homozygotes.

Submissions (2):

Fulgent Genetics
Classification: Uncertain significance for Acrocallosal syndrome; Multiple epiphyseal dysplasia, Al-Gazali type; Hydrolethalus syndrome 2. Last evaluated: 2024-06-11. Review status: criteria provided, single submitter. Criteria: ACMG Guidelines, 2015. Collection method: clinical testing. Allele origin: germline.

Labcorp Genetics (formerly Invitae), Labcorp
Classification: Uncertain significance for Acrocallosal syndrome. Last evaluated: 2021-04-08. Review status: criteria provided, single submitter. Criteria: Invitae Variant Classification Sherloc (09022015). Collection method: clinical testing. Allele origin: germline.
Comment: This variant has not been reported in the literature in individuals with KIF7-related conditions. The frequency data for this variant in the population databases is considered unreliable, as metrics indicate insufficient coverage at this position in the ExAC database. This sequence change replaces proline with serine at codon 15 of the KIF7 protein (p.Pro15Ser). The proline residue is weakly conserved and there is a moderate physicochemical difference between proline and serine. Algorithms developed to predict the effect of missense changes on protein structure and function (SIFT, PolyPhen-2, Align-GVGD) all suggest that this variant is likely to be tolerated, but these predictions have not been confirmed by published functional studies and their clinical significance is uncertain. In summary, the available evidence is currently insufficient to determine the role of this variant in disease. Therefore, it has been classified as a Variant of Uncertain Significance.

NM_198525.3(KIF7):c.43C>T (p.Pro15Ser)

Gene: KIF7 (kinesin family member 7; minus strand). Cytogenetic location: 15q26.1.
Variant type: single nucleotide variant.
Coding change: c.43C>T on transcript NM_198525.3 (MANE Select); coding-DNA position 43, C replaced by T.
Protein change: p.Pro15Ser; replaces proline 15 with serine.
Molecular consequence: missense variant.
Genome position (GRCh38, 1-based): chr15:89,652,888, G>A on the plus strand (C>T on the coding strand, the complement: KIF7 is on the minus strand). VCF-style: chr15-89652888-G-A. GRCh37 (hg19) VCF-style: chr15-90196119-G-A.
Other names: short protein forms P15S.
Identifiers: ClinVar variation 1504814 (VCV001504814.7), dbSNP rs1454209591, ClinGen allele CA393781064.